The following is an entry in ClinVar:

ClinVar aggregate classification (germline): Uncertain significance (1 of 4 stars; one submission).

Conditions:
Inborn genetic diseases. Identifiers: MedGen C0950123, MeSH D030342.

Submission:

Ambry Genetics
Classification: Uncertain significance for Inborn genetic diseases. Last evaluated: 2025-12-15. Review status: criteria provided, single submitter. Criteria: Ambry Variant Classification Scheme 2023. Collection method: clinical testing. Allele origin: germline.
Comment: The c.2732G>A (p.G911E) alteration is located in exon 15 (coding exon 14) of the CDON gene. This alteration results from a G to A substitution at nucleotide position 2732, causing the glycine (G) at amino acid position 911 to be replaced by a glutamic acid (E). Based on data from gnomAD, the A allele has an overall frequency of <0.001% (1/251128) total alleles studied. The highest observed frequency was 0.001% (1/113488) of European (non-Finnish) alleles. Based on insufficient or conflicting evidence, the clinical significance of this alteration remains unclear.

NM_001378964.1(CDON):c.2732G>A (p.Gly911Glu)

Gene: CDON (cell adhesion associated, oncogene regulated; minus strand). Cytogenetic location: 11q24.2.
Variant type: single nucleotide variant.
Coding change: c.2732G>A on transcript NM_001378964.1 (MANE Select); coding-DNA position 2732, G replaced by A.
Protein change: p.Gly911Glu; replaces glycine 911 with glutamic acid.
Molecular consequence: missense variant.
Genome position (GRCh38, 1-based): chr11:125,989,678, C>T on the plus strand (G>A on the coding strand, the complement: CDON is on the minus strand). VCF-style: chr11-125989678-C-T. GRCh37 (hg19) VCF-style: chr11-125859573-C-T.
Other names: c.2732G>A, p.Gly911Glu (NM_001243597.3, NM_001441161.1, NM_001441162.1 and 5 more transcripts); short protein forms G911E.
Identifiers: ClinVar variation 4836082 (VCV004836082.1).
Genomic context (GRCh38, chr11:125,989,678, plus strand): 5'-AAAGCAAAAATTCTCCTACCTTTAGTCTCGCAGATCATCACATTGCTAAATTCACTTTCT[C>T]CTCCTTCATTGAAGCATTGCATTTTAATGTCATAGGAGGTTTCTGGCTGCAGGTGGCCAA-3'
Protein context (NP_001365893.1, residues 901-921): DIKMQCFNEG[Gly911Glu]ESEFSNVMIC